The following is an entry in ClinVar:

NM_014889.4(PITRM1):c.2336+6T>G

Genes: PITRM1 (pitrilysin metallopeptidase 1; minus strand), PITRM1-AS1 (PITRM1 antisense RNA 1; plus strand). Cytogenetic location: 10p15.2.
Variant type: single nucleotide variant.
Coding change: c.2336+6T>G on transcript NM_014889.4 (MANE Select); 6 bases into the intron after coding-DNA position 2336, T replaced by G.
Molecular consequence: intron variant. On other transcripts: non-coding transcript variant (1).
Genome position (GRCh38, 1-based): chr10:3,147,144, A>C on the plus strand (T>G on the coding strand, the complement: PITRM1 is on the minus strand). VCF-style: chr10-3147144-A-C. GRCh37 (hg19) VCF-style: chr10-3189336-A-C.
Other names: c.2114+6T>G (NM_001347730.1); c.2312+6T>G (NM_001347729.1); c.2042+6T>G (NM_001242309.1); c.1523+6T>G (NM_001347726.2); c.1721+6T>G (NM_001347727.2); c.1031+6T>G (NM_001347728.2); c.2138+6T>G (NM_001347725.2); c.2339+6T>G (NM_001242307.2).
Identifiers: ClinVar variation 4754796 (VCV004754796.1).

ClinVar aggregate classification (germline): Uncertain significance (1 of 4 stars; one submission).

gnomAD v4.1: 43 of 1,397,362 alleles (0.0031%); highest among the groups gnomAD compares: Non-Finnish European, 0.0043%; no homozygotes.

Submission:

Labcorp Genetics (formerly Invitae), Labcorp
Classification: Uncertain significance. Last evaluated: 2025-12-15. Review status: criteria provided, single submitter. Criteria: Invitae Variant Classification Sherloc (09022015). Collection method: clinical testing. Allele origin: germline.
Comment: This sequence change falls in intron 17 of the PITRM1 gene. It does not directly change the encoded amino acid sequence of the PITRM1 protein. It affects a nucleotide within the consensus splice site. This variant is present in population databases (rs747262784, gnomAD 0.0009%). This variant has not been reported in the literature in individuals affected with PITRM1-related conditions. Variants that disrupt the consensus splice site are a relatively common cause of aberrant splicing (PMID: 17576681, 9536098). Algorithms developed to predict the effect of sequence changes on RNA splicing suggest that this variant may disrupt the consensus splice site. In summary, the available evidence is currently insufficient to determine the role of this variant in disease. Therefore, it has been classified as a Variant of Uncertain Significance.

Literature cited by the submitters: PubMed 17576681; PubMed 9536098.